The following is an entry in ClinVar:

ClinVar aggregate classification (germline): Conflicting classifications of pathogenicity. Review status: criteria provided, conflicting classifications (1 of 4 stars). 2 submissions from 2 submitters: Uncertain significance (1); Likely benign (1). Last evaluated 2026-03-01.

Allele frequency attached by ClinVar (database versions not stated): gnomAD 0.00100; 1000 Genomes Project 30x 0.00125.
gnomAD v4.1: 173 of 1,197,506 alleles (0.014%); highest among the groups gnomAD compares: African/African-American, 0.27%; 1 homozygote.

Submissions (2):

CeGaT Center for Human Genetics Tuebingen
Classification: Likely benign. Last evaluated: 2026-03-01. Review status: criteria provided, single submitter. Criteria: CeGaT Center For Human Genetics Tuebingen Variant Classification Criteria Version 2. Collection method: clinical testing. Allele origin: germline. Affected: yes. Observed: 3 variant alleles.
Comment: MAGEC1: BP4, BS2

Ambry Genetics
Classification: Uncertain significance. Last evaluated: 2025-02-07. Review status: criteria provided, single submitter. Criteria: Ambry Variant Classification Scheme 2023. Collection method: clinical testing. Allele origin: germline.

NM_005462.5(MAGEC1):c.1175C>T (p.Ser392Phe)

Gene: MAGEC1 (MAGE family member C1; plus strand). Cytogenetic location: Xq27.2.
Variant type: single nucleotide variant.
Coding change: c.1175C>T on transcript NM_005462.5 (MANE Select); coding-DNA position 1175, C replaced by T.
Protein change: p.Ser392Phe; replaces serine 392 with phenylalanine.
Molecular consequence: missense variant.
Genome position (GRCh38, 1-based): chrX:141,906,579, C>T. VCF-style: chrX-141906579-C-T. GRCh37 (hg19) VCF-style: chrX-140994365-C-T.
Other names: short protein forms S392F.
Identifiers: ClinVar variation 2254428 (VCV002254428.10), dbSNP rs144210857, ClinGen allele CA10533566.
Genomic context (GRCh38, chrX:141,906,579, plus strand): 5'-CTCTCCAGATTCCTGGGAGCCCCTCCTTCTCCTCCACTTTACTGAGTCTTTTCCAGAGTT[C>T]CCCTGAGAGAACTCACAGTACTTTTGAGGGTTTTCCCCAGTCTCCTCTCCAGATTCCTAT-3'
Protein context (NP_005453.2, residues 382-402): SSTLLSLFQS[Ser392Phe]PERTHSTFEG